The following is an entry in ClinVar:

ClinVar aggregate classification (germline): Pathogenic (1 of 4 stars; one submission).

Submission:

Labcorp Genetics (formerly Invitae), Labcorp
Classification: Pathogenic. Last evaluated: 2023-01-22. Review status: criteria provided, single submitter. Criteria: Invitae Variant Classification Sherloc (09022015). Collection method: clinical testing. Allele origin: germline.
Comment: This sequence change creates a premature translational stop signal (p.Pro500Argfs*2) in the ELP1 gene. It is expected to result in an absent or disrupted protein product. Loss-of-function variants in ELP1 are known to be pathogenic (PMID: 18303054, 24173031). This variant is not present in population databases (gnomAD no frequency). This variant has not been reported in the literature in individuals affected with ELP1-related conditions. For these reasons, this variant has been classified as Pathogenic.

Literature cited by the submitters: PubMed 18303054; PubMed 24173031.

NM_003640.5(ELP1):c.1499del (p.Pro500fs)

Gene: ELP1 (elongator acetyltransferase complex subunit 1; minus strand). Cytogenetic location: 9q31.3.
Variant type: Deletion.
Coding change: c.1499del on transcript NM_003640.5 (MANE Select); coding-DNA position 1499, one base deleted (C; older notation c.1499delC).
Protein change: p.Pro500fs; shifts the reading frame from proline 500.
Molecular consequence: frameshift variant.
Genome position (GRCh38, 1-based): chr9:108,906,447, G deleted on the plus strand (C on the coding strand, the reverse complement: ELP1 is on the minus strand); the first of 3 consecutive G bases (chr9:108,906,447-108,906,449); deleting any one gives the same sequence. VCF-style (leftmost placement, unchanged base first): chr9-108906446-CG-C. GRCh37 (hg19) VCF-style: chr9-111668726-CG-C.
Other names: c.1157del, p.Pro386fs (NM_001318360.2); c.452del, p.Pro151fs (NM_001330749.2); short protein forms P151fs, P500fs, P386fs.
Identifiers: ClinVar variation 2830893 (VCV002830893.3), dbSNP rs2537912979, ClinGen allele CA2739264943.